The following is an entry in ClinVar:

ClinVar aggregate classification (germline): Uncertain significance (1 of 4 stars; one submission).

Conditions:
Inborn genetic diseases. Identifiers: MedGen C0950123, MeSH D030342.

Allele frequency attached by ClinVar (database versions not stated): gnomAD 0.00001.
gnomAD v4.1: 1 of 1,613,280 alleles (0.000062%); highest among the groups gnomAD compares: East Asian, 0.0022%; no homozygotes.

Submission:

Ambry Genetics
Classification: Uncertain significance for Inborn genetic diseases. Last evaluated: 2024-03-04. Review status: criteria provided, single submitter. Criteria: Ambry Variant Classification Scheme 2023. Collection method: clinical testing. Allele origin: germline.
Comment: The p.P624L variant (also known as c.1871C>T), located in coding exon 20 of the ERCC2 gene, results from a C to T substitution at nucleotide position 1871. The proline at codon 624 is replaced by leucine, an amino acid with similar properties. This amino acid position is conserved. In addition, this alteration is predicted to be deleterious by in silico analysis. Based on the available evidence, the clinical significance of this alteration remains unclear.

NM_000400.4(ERCC2):c.1871C>T (p.Pro624Leu)

Gene: ERCC2 (ERCC excision repair 2, TFIIH core complex helicase subunit; minus strand). Cytogenetic location: 19q13.32.
Variant type: single nucleotide variant.
Coding change: c.1871C>T on transcript NM_000400.4 (MANE Select); coding-DNA position 1871, C replaced by T.
Protein change: p.Pro624Leu; replaces proline 624 with leucine.
Molecular consequence: missense variant.
Genome position (GRCh38, 1-based): chr19:45,352,777, G>A on the plus strand (C>T on the coding strand, the complement: ERCC2 is on the minus strand). VCF-style: chr19-45352777-G-A. GRCh37 (hg19) VCF-style: chr19-45856035-G-A.
Other names: short protein forms P624L.
Identifiers: ClinVar variation 3231665 (VCV003231665.1), dbSNP rs1274611330, ClinGen allele CA406363798.